The following is an entry in ClinVar:

NM_021729.6(VPS11):c.1479C>T (p.Leu493=)

Gene: VPS11 (VPS11 core subunit of CORVET and HOPS complexes; plus strand). Cytogenetic location: 11q23.3.
Variant type: single nucleotide variant.
Coding change: c.1479C>T on transcript NM_021729.6 (MANE Select); coding-DNA position 1479, C replaced by T.
Protein change: p.Leu493=; no amino-acid change (leucine 493 retained).
Molecular consequence: synonymous variant. On other transcripts: non-coding transcript variant (8).
Genome position (GRCh38, 1-based): chr11:119,077,554, C>T. VCF-style: chr11-119077554-C-T. GRCh37 (hg19) VCF-style: chr11-118948264-C-T.
Other names: c.1449C>T, p.Leu483= (NM_001290185.2); c.1491C>T, p.Leu497= (NM_001378218.1, NM_001378219.1); c.1464C>T, p.Leu488= (NM_001378220.1); c.1461C>T, p.Leu487= (NM_001378221.1).
Identifiers: ClinVar variation 3898614 (VCV003898614.7).

ClinVar aggregate classification (germline): Likely benign (1 of 4 stars; one submission).

Submission:

CeGaT Center for Human Genetics Tuebingen
Classification: Likely benign. Last evaluated: 2025-04-01. Review status: criteria provided, single submitter. Criteria: CeGaT Center For Human Genetics Tuebingen Variant Classification Criteria Version 2. Collection method: clinical testing. Allele origin: germline. Affected: yes. Observed: 1 variant allele.
Comment: VPS11: PM2:Supporting, BP4, BP7